The following is an entry in ClinVar:

NM_022081.6(HPS4):c.670-4T>G

Gene: HPS4 (HPS4 biogenesis of lysosomal organelles complex 3 subunit 2; minus strand). Cytogenetic location: 22q12.1.
Variant type: single nucleotide variant.
Coding change: c.670-4T>G on transcript NM_022081.6 (MANE Select); 4 bases into the intron before coding-DNA position 670, T replaced by G.
Molecular consequence: intron variant.
Genome position (GRCh38, 1-based): chr22:26,466,266, A>C on the plus strand (T>G on the coding strand, the complement: HPS4 is on the minus strand). VCF-style: chr22-26466266-A-C. GRCh37 (hg19) VCF-style: chr22-26862232-A-C.
Other names: c.670-4T>G (NM_001349905.1, NM_001349904.2, NM_001349902.1 and 7 more transcripts); c.655-4T>G (NM_152841.2).
Identifiers: ClinVar variation 3050233 (VCV003050233.2), dbSNP rs1569076675, ClinGen allele CA638782058.

ClinVar aggregate classification (germline): Likely benign (0 of 4 stars; one submission).

Conditions:
HPS4-related disorder. Also called: HPS4-related condition.

Allele frequency attached by ClinVar (database versions not stated): gnomAD exomes 0.00001; TOPMed 0.00001.
gnomAD v4.1: 11 of 1,614,142 alleles (0.00068%); highest among the groups gnomAD compares: Non-Finnish European, 0.00093%; no homozygotes.

Submission:

PreventionGenetics, part of Exact Sciences
Classification: Likely benign for HPS4-related condition. Last evaluated: 2019-07-11. Review status: no assertion criteria provided. Collection method: clinical testing. Allele origin: germline.
Comment: This variant is classified as likely benign based on ACMG/AMP sequence variant interpretation guidelines (Richards et al. 2015 PMID: 25741868, with internal and published modifications).